The following is an entry in ClinVar:

NM_138711.6(PPARG):c.431A>G (p.Asp144Gly)

Gene: PPARG (peroxisome proliferator activated receptor gamma; plus strand). Cytogenetic location: 3p25.2.
Variant type: single nucleotide variant.
Coding change: c.431A>G on transcript NM_138711.6 (MANE Select); coding-DNA position 431, A replaced by G.
Protein change: p.Asp144Gly; replaces aspartic acid 144 with glycine.
Molecular consequence: missense variant.
Genome position (GRCh38, 1-based): chr3:12,392,654, A>G. VCF-style: chr3-12392654-A-G. GRCh37 (hg19) VCF-style: chr3-12434153-A-G.
Other names: c.431A>G, p.Asp144Gly (NM_001330615.4, NM_001354666.3, NM_001354667.3 and 6 more transcripts); c.521A>G, p.Asp174Gly (NM_001354668.2, NM_001374265.1, NM_015869.5); c.4A>G, p.Thr2Ala (NM_001354669.2); c.437A>G, p.Asp146Gly (NM_001354670.2, NM_001374266.1); short protein forms D146G, T2A, D174G, D144G.
Identifiers: ClinVar variation 901055 (VCV000901055.6), dbSNP rs1211829538, ClinGen allele CA351618328.
Genomic context (GRCh38, chr3:12,392,654, plus strand): 5'-TCTTTTTTATCCCTTTGCAGGGTTTCTTCCGGAGAACAATCAGATTGAAGCTTATCTATG[A>G]CAGATGTGATCTTAACTGTCGGATCCACAAAAAAAGTAGAAATAAATGTCAGTACTGTCG-3'
Protein context (NP_619725.3, residues 134-154): RRTIRLKLIY[Asp144Gly]RCDLNCRIHK

ClinVar aggregate classification (germline): Uncertain significance. Review status: criteria provided, multiple submitters, no conflicts (2 of 4 stars). 5 submissions from 3 submitters: Uncertain significance (5). Last evaluated 2020-03-18.

Conditions:
Obesity. Also called: Obesity disorder. Identifiers: Orphanet 71529, MedGen C0028754, MeSH D009765, MONDO:0011122, HP:0001513.
INSULIN RESISTANCE, DIGENIC. Identifiers: MedGen C4016738.
PPARG-related familial partial lipodystrophy. Also called: LIPODYSTROPHY, FAMILIAL PARTIAL, ASSOCIATED WITH PPARG MUTATIONS. Identifiers: Orphanet 79083, MedGen C1720861, MONDO:0011448, OMIM 604367.

Allele frequency attached by ClinVar (database versions not stated): gnomAD exomes below 0.00001.
gnomAD v4.1: 5 of 1,613,932 alleles (0.00031%); highest among the groups gnomAD compares: South Asian, 0.0044%; no homozygotes.

Submissions (5):

GeneDx
Classification: Uncertain significance. Last evaluated: 2020-03-18. Review status: criteria provided, single submitter. Criteria: GeneDx Variant Classification Process June 2021. Collection method: clinical testing. Allele origin: germline. Affected: yes.
Comment: Not observed at a significant frequency in large population cohorts (Lek et al., 2016); In silico analysis supports that this missense variant has a deleterious effect on protein structure/function; Has not been previously published as pathogenic or benign to our knowledge

Illumina Laboratory Services, Illumina
Classification: Uncertain significance for Inherited obesity. Last evaluated: 2018-01-13. Review status: criteria provided, single submitter. Criteria: ICSL Variant Classification Criteria 13 December 2019. Collection method: clinical testing. Allele origin: germline.

Illumina Laboratory Services, Illumina
Classification: Uncertain significance for Diabetes Mellitus, Noninsulin-Dependent, with Acanthosis Nigricans and Hypertension. Last evaluated: 2018-01-13. Review status: criteria provided, single submitter. Criteria: ICSL Variant Classification Criteria 13 December 2019. Collection method: clinical testing. Allele origin: germline.

Illumina Laboratory Services, Illumina
Classification: Uncertain significance for PPARG-related familial partial lipodystrophy. Last evaluated: 2018-01-13. Review status: criteria provided, single submitter. Criteria: ICSL Variant Classification Criteria 13 December 2019. Collection method: clinical testing. Allele origin: germline.

Breakthrough Genomics
Classification: Uncertain significance. Review status: criteria provided, single submitter. Criteria: ACMG Guidelines, 2015. Collection method: not provided. Allele origin: germline. Inheritance: Autosomal recessive inheritance. Affected: yes.